The following is an entry in ClinVar:

NM_000719.7(CACNA1C):c.3331G>A (p.Val1111Ile)

Gene: CACNA1C (calcium voltage-gated channel subunit alpha1 C; plus strand). Cytogenetic location: 12p13.33.
Variant type: single nucleotide variant.
Coding change: c.3331G>A on transcript NM_000719.7 (MANE Select); coding-DNA position 3331, G replaced by A.
Protein change: p.Val1111Ile; replaces valine 1111 with isoleucine.
Molecular consequence: missense variant.
Genome position (GRCh38, 1-based): chr12:2,607,105, G>A. VCF-style: chr12-2607105-G-A. GRCh37 (hg19) VCF-style: chr12-2716271-G-A.
Other names: c.3391G>A, p.Val1131Ile (NM_001129827.2, NM_001129832.2, NM_199460.4); c.3331G>A, p.Val1111Ile (NM_001129829.2, NM_001129830.3, NM_001129831.2 and 15 more transcripts); c.3322G>A, p.Val1108Ile (NM_001129844.2); short protein forms V1111I, V1131I, V1108I.
Identifiers: ClinVar variation 411719 (VCV000411719.22), dbSNP rs766023530, ClinGen allele CA16613714.

ClinVar aggregate classification (germline): Uncertain significance. Review status: criteria provided, multiple submitters, no conflicts (2 of 4 stars). 8 submissions from 8 submitters: Uncertain significance (8). Last evaluated 2026-03-10.

Conditions:
Timothy syndrome (TS). Also called: LONG QT SYNDROME WITH SYNDACTYLY. Identifiers: Orphanet 65283, MedGen C1832916, MeSH C536962, MONDO:0010979, OMIM 601005.
Brugada syndrome 3 (BRGDA3). Identifiers: Orphanet 130, MedGen C2678478, MONDO:0012742, OMIM 611875.
Long QT syndrome 8. Identifiers: MedGen CN260585, MONDO:0032756, OMIM 618447.
Cardiovascular phenotype. Identifiers: MedGen CN230736.
CACNA1C-related disorder. Also called: CACNA1C-related disorders; CACNA1C-related condition. Identifiers: MedGen CN381092, MONDO:0700321.
Sudden unexplained death. Identifiers: MedGen C0520806.
Long QT syndrome (LQTS). Identifiers: MedGen C0023976, MeSH D008133, MONDO:0002442. Disease mechanism: loss of function. Inheritance: Various modes of inheritance.

Allele frequency attached by ClinVar (database versions not stated): gnomAD 0.00001; gnomAD exomes 0.00001 and 0.00004; TOPMed 0.00001.

Submissions (8):

PreventionGenetics, part of Exact Sciences
Classification: Uncertain significance for CACNA1C-related condition. Last evaluated: 2026-03-10. Review status: criteria provided, single submitter. Criteria: ACMG Guidelines, 2015. Collection method: clinical testing. Allele origin: germline.
Comment: The CACNA1C c.3331G>A variant is predicted to result in the amino acid substitution p.Val1111Ile. To our knowledge, this variant has not been reported in the literature. This variant is reported in 0.0047% of alleles in individuals of European (Finnish) descent in gnomAD. At this time, the clinical significance of this variant is uncertain due to the absence of conclusive functional and genetic evidence.

Labcorp Genetics (formerly Invitae), Labcorp
Classification: Uncertain significance for Long QT syndrome. Last evaluated: 2026-02-03. Review status: criteria provided, single submitter. Criteria: Invitae Variant Classification Sherloc (09022015). Collection method: clinical testing. Allele origin: germline.
Comment: This sequence change replaces valine, which is neutral and non-polar, with isoleucine, which is neutral and non-polar, at codon 1111 of the CACNA1C protein (p.Val1111Ile). This variant is present in population databases (rs766023530, gnomAD 0.004%). This variant has not been reported in the literature in individuals affected with CACNA1C-related conditions. ClinVar contains an entry for this variant (Variation ID: 411719). Invitae Evidence Modeling of protein sequence and biophysical properties (such as structural, functional, and spatial information, amino acid conservation, physicochemical variation, residue mobility, and thermodynamic stability) has been performed for this missense variant. However, the output from this modeling did not meet the statistical confidence thresholds required to predict the impact of this variant on CACNA1C protein function. In summary, the available evidence is currently insufficient to determine the role of this variant in disease. Therefore, it has been classified as a Variant of Uncertain Significance.

Ambry Genetics
Classification: Uncertain significance for Cardiovascular phenotype. Last evaluated: 2025-01-10. Review status: criteria provided, single submitter. Criteria: Ambry Variant Classification Scheme 2023. Collection method: clinical testing. Allele origin: germline.
Comment: The p.V1111I variant (also known as c.3331G>A), located in coding exon 26 of the CACNA1C gene, results from a G to A substitution at nucleotide position 3331. The valine at codon 1111 is replaced by isoleucine, an amino acid with highly similar properties. This amino acid position is highly conserved in available vertebrate species. In addition, the in silico prediction for this alteration is inconclusive. Based on the available evidence, the clinical significance of this variant remains unclear.

Fulgent Genetics
Classification: Uncertain significance for Timothy syndrome; Brugada syndrome 3; Long QT syndrome 8. Last evaluated: 2021-07-26. Review status: criteria provided, single submitter. Criteria: ACMG Guidelines, 2015. Collection method: clinical testing. Allele origin: unknown.

Laboratorio de Genetica e Diagnostico Molecular, Hospital Israelita Albert Einstein
Classification: Uncertain significance. Last evaluated: 2021-05-18. Review status: criteria provided, single submitter. Criteria: ACMG Guidelines, 2015. Collection method: clinical testing. Allele origin: germline. Affected: yes.
Comment: ACMG classification criteria: PM2

GeneDx
Classification: Uncertain significance. Last evaluated: 2021-02-16. Review status: criteria provided, single submitter. Criteria: GeneDx Variant Classification Process June 2021. Collection method: clinical testing. Allele origin: germline. Affected: yes.
Comment: Has not been previously published as pathogenic or benign to our knowledge; Not observed at a significant frequency in large population cohorts (Lek et al., 2016); In silico analysis supports that this missense variant does not alter protein structure/function; Reported in ClinVar as a variant of uncertain significance (ClinVar Variant ID#411719; Landrum et al., 2016)

Genomic Research Center, Shahid Beheshti University of Medical Sciences
Classification: Uncertain significance for Timothy syndrome. Last evaluated: 2018-08-07. Review status: criteria provided, single submitter. Criteria: ACMG Guidelines, 2015. Collection method: clinical testing. Allele origin: unknown. Affected: yes. Observed: 1 variant allele.

Agnes Ginges Centre for Molecular Cardiology, Centenary Institute
Classification: Uncertain significance for Sudden unexplained death. Last evaluated: 2017-10-04. Review status: criteria provided, single submitter. Criteria: ACMG Guidelines, 2015. Collection method: research. Allele origin: germline. Affected: yes.
Comment: This variant has been identified as part of our research program. Refer to the 'condition' field for the phenotype of the proband(s) identified with this variant. For further information please feel free to contact us.